The following is an entry in ClinVar:

NM_001352027.3(PHF21A):c.1952C>A (p.Thr651Asn)

Gene: PHF21A (PHD finger protein 21A; minus strand). Cytogenetic location: 11p11.2.
Variant type: single nucleotide variant.
Coding change: c.1952C>A on transcript NM_001352027.3 (MANE Select); coding-DNA position 1952, C replaced by A.
Protein change: p.Thr651Asn; replaces threonine 651 with asparagine.
Molecular consequence: missense variant. On other transcripts: non-coding transcript variant (2).
Genome position (GRCh38, 1-based): chr11:45,934,062, G>T on the plus strand (C>A on the coding strand, the complement: PHF21A is on the minus strand). VCF-style: chr11-45934062-G-T. GRCh37 (hg19) VCF-style: chr11-45955613-G-T.
Other names: c.1949C>A, p.Thr650Asn (NM_001101802.3); c.1952C>A, p.Thr651Asn (NM_001352025.3, NM_001352026.3); c.1811C>A, p.Thr604Asn (NM_001352028.1, NM_001352029.1, NM_016621.5); c.1808C>A, p.Thr603Asn (NM_001352030.3, NM_001352031.3, NM_001352032.3); short protein forms T603N, T604N, T650N, T651N.
Identifiers: ClinVar variation 3573619 (VCV003573619.3).

ClinVar aggregate classification (germline): Uncertain significance. Review status: criteria provided, multiple submitters, no conflicts (2 of 4 stars). 2 submissions from 2 submitters: Uncertain significance (2). Last evaluated 2024-11-04.

gnomAD v4.1: 15 of 1,613,926 alleles (0.00093%); highest among the groups gnomAD compares: African/African-American, 0.0093%; no homozygotes.

Submissions (2):

Labcorp Genetics (formerly Invitae), Labcorp
Classification: Uncertain significance. Last evaluated: 2024-11-04. Review status: criteria provided, single submitter. Criteria: Invitae Variant Classification Sherloc (09022015). Collection method: clinical testing. Allele origin: germline.
Comment: This sequence change replaces threonine, which is neutral and polar, with asparagine, which is neutral and polar, at codon 650 of the PHF21A protein (p.Thr650Asn). This variant is present in population databases (rs141388105, gnomAD 0.008%). This variant has not been reported in the literature in individuals affected with PHF21A-related conditions. Invitae Evidence Modeling of protein sequence and biophysical properties (such as structural, functional, and spatial information, amino acid conservation, physicochemical variation, residue mobility, and thermodynamic stability) indicates that this missense variant is not expected to disrupt PHF21A protein function with a negative predictive value of 80%. In summary, the available evidence is currently insufficient to determine the role of this variant in disease. Therefore, it has been classified as a Variant of Uncertain Significance.

GeneDx
Classification: Uncertain significance. Last evaluated: 2024-07-10. Review status: criteria provided, single submitter. Criteria: GeneDx Variant Classification Process June 2021. Collection method: clinical testing. Allele origin: germline. Affected: yes.
Comment: In silico analysis indicates that this missense variant does not alter protein structure/function; Has not been previously published as pathogenic or benign to our knowledge